The following is an entry in ClinVar:

ClinVar aggregate classification (germline): Likely benign (1 of 4 stars; one submission).

Allele frequency attached by ClinVar (database versions not stated): gnomAD exomes below 0.00001.

Submission:

CeGaT Center for Human Genetics Tuebingen
Classification: Likely benign. Last evaluated: 2022-06-01. Review status: criteria provided, single submitter. Criteria: CeGaT Center For Human Genetics Tuebingen Variant Classification Criteria Version 2. Collection method: clinical testing. Allele origin: germline. Affected: yes. Observed: 2 variant alleles.
Comment: MUC19: PM2:Supporting, BP4, BP7

NC_000012.12:g.40484892A>T

Gene: MUC19 (mucin 19, oligomeric (gene/pseudogene); plus strand). Cytogenetic location: 12q12.
Variant type: single nucleotide variant.
Genome position: GRCh38 VCF-style: chr12-40484892-A-T. GRCh37 (hg19) VCF-style: chr12-40878694-A-T.
Identifiers: ClinVar variation 2642868 (VCV002642868.24), dbSNP rs1948589424, ClinGen allele CA479268153.
Genomic context (GRCh38, chr12:40,484,892, plus strand): 5'-GGTGACAGGGATAGCTGGACTCTCAGCTGGCGTGACAGGGATAACTGGACCATCAGCTGG[A>T]ATAACAGGGACAACTACCATATCAGCTGGAGTAACAGGGACAAGTGGACTATCAGCTGAA-3'